The following is an entry in ClinVar:

NM_001903.5(CTNNA1):c.616C>T (p.Gln206Ter)

Gene: CTNNA1 (catenin alpha 1; plus strand). Cytogenetic location: 5q31.2.
Variant type: single nucleotide variant.
Coding change: c.616C>T on transcript NM_001903.5 (MANE Select); coding-DNA position 616, C replaced by T.
Protein change: p.Gln206Ter; replaces glutamine 206 with a stop codon.
Molecular consequence: nonsense.
Genome position (GRCh38, 1-based): chr5:138,824,557, C>T. VCF-style: chr5-138824557-C-T. GRCh37 (hg19) VCF-style: chr5-138160246-C-T.
Other names: c.616C>T (NM_001903.2); c.616C>T, p.Gln206Ter (NM_001290307.3, NM_001323982.2, NM_001323983.1 and 3 more transcripts); c.307C>T, p.Gln103Ter (NM_001290309.3); c.247C>T, p.Gln83Ter (NM_001290310.3); short protein forms Q103*, Q206*, Q83*.
Identifiers: ClinVar variation 1059771 (VCV001059771.8), dbSNP rs773383379, ClinGen allele CA3431511.

ClinVar aggregate classification (germline): Pathogenic. Review status: criteria provided, multiple submitters, no conflicts (2 of 4 stars). 2 submissions from 2 submitters: Pathogenic (2). Last evaluated 2025-08-07.

Conditions:
Hereditary cancer-predisposing syndrome. Also called: Neoplastic Syndromes, Hereditary; Hereditary Cancer Syndrome; Hereditary neoplastic syndrome; Tumor predisposition. Identifiers: Orphanet 140162, MedGen C0027672, MeSH D009386, MONDO:0015356.

Allele frequency attached by ClinVar (database versions not stated): ExAC 0.00001; gnomAD exomes 0.00001.
gnomAD v4.1: 3 of 1,614,122 alleles (0.00019%); highest among the groups gnomAD compares: Admixed American, 0.0033%; no homozygotes.

Submissions (2):

Ambry Genetics
Classification: Pathogenic for Hereditary cancer-predisposing syndrome. Last evaluated: 2025-08-07. Review status: criteria provided, single submitter. Criteria: Ambry Variant Classification Scheme 2023. Collection method: clinical testing. Allele origin: germline.
Comment: The p.Q206* pathogenic mutation (also known as c.616C>T), located in coding exon 5 of the CTNNA1 gene, results from a C to T substitution at nucleotide position 616. This changes the amino acid from a glutamine to a stop codon within coding exon 5. This alteration is expected to result in loss of function by premature protein truncation or nonsense-mediated mRNA decay. As such, this alteration is interpreted as a disease-causing mutation.

Labcorp Genetics (formerly Invitae), Labcorp
Classification: Pathogenic. Last evaluated: 2023-06-13. Review status: criteria provided, single submitter. Criteria: Invitae Variant Classification Sherloc (09022015). Collection method: clinical testing. Allele origin: germline.
Comment: For these reasons, this variant has been classified as Pathogenic. ClinVar contains an entry for this variant (Variation ID: 1059771). This variant has not been reported in the literature in individuals affected with CTNNA1-related conditions. The frequency data for this variant in the population databases is considered unreliable, as metrics indicate poor data quality at this position in the gnomAD database. This sequence change creates a premature translational stop signal (p.Gln206*) in the CTNNA1 gene. It is expected to result in an absent or disrupted protein product. Loss-of-function variants in CTNNA1 are known to be pathogenic (PMID: 32051609, 34425242).

Literature cited by the submitters: PubMed 32051609 (cited by Labcorp Genetics (formerly Invitae), Labcorp); PubMed 34425242 (cited by Labcorp Genetics (formerly Invitae), Labcorp).